The following is an entry in ClinVar:

ClinVar aggregate classification (germline): Likely pathogenic (1 of 4 stars; one submission).

Conditions:
Marfan syndrome (MFS). Also called: FBN1-Related Marfan Syndrome; MARFAN SYNDROME, TYPE I; Marfan syndrome type 1; Marfan's syndrome; Marfan syndrome, classic. Identifiers: Orphanet 284963, Orphanet 558, MedGen C0024796, MONDO:0007947, OMIM 154700.

Submission:

3billion
Classification: Likely pathogenic for Marfan syndrome. Last evaluated: 2025-10-26. Review status: criteria provided, single submitter. Criteria: ACMG Guidelines, 2015. Collection method: clinical testing. Allele origin: germline. Affected: yes.
Comment: The variant is not observed in the gnomAD v4.1.0 dataset. Predicted Consequence/Location: Frameshift: predicted to result in a loss or disruption of normal protein function through protein truncation. Multiple pathogenic variants are reported in the predicted truncated region. Therefore, this variant is classified as Likely pathogenic according to the recommendation of ACMG/AMP guideline.

NM_000138.5(FBN1):c.8390del (p.Ser2797fs)

Gene: FBN1 (fibrillin 1; minus strand). Cytogenetic location: 15q21.1.
Variant type: Deletion.
Coding change: c.8390del on transcript NM_000138.5 (MANE Select); coding-DNA position 8390, one base deleted (C; older notation c.8390delC).
Protein change: p.Ser2797fs; shifts the reading frame from serine 2797.
Molecular consequence: frameshift variant.
Genome position (GRCh38, 1-based): chr15:48,411,216, G deleted on the plus strand (C on the coding strand, the reverse complement: FBN1 is on the minus strand). VCF-style (leftmost placement, unchanged base first): chr15-48411215-AG-A. GRCh37 (hg19) VCF-style: chr15-48703412-AG-A.
Other names: c.8390del, p.Ser2797fs (NM_001406716.1); short protein forms S2797fs.
Identifiers: ClinVar variation 4854325 (VCV004854325.1).